The following is an entry in ClinVar:

NM_001161352.2(KCNMA1):c.31AGC[3] (p.Ser12dup)

Gene: KCNMA1 (potassium calcium-activated channel subfamily M alpha 1; minus strand). Cytogenetic location: 10q22.3.
Variant type: Microsatellite.
Coding change: c.31AGC[3] on transcript NM_001161352.2 (MANE Select); three copies in a row of the 3-base unit AGC starting at c.31; the reference has two copies in a row; one copy, 3 bases duplicated.
Protein change: p.Ser12dup; duplicates serine 12.
Molecular consequence: inframe insertion.
Genome position (GRCh38, 1-based): chr10:77,637,607-77,637,609, GCT duplicated on the plus strand (AGC on the coding strand, the reverse complement: KCNMA1 is on the minus strand); duplicating any 3 consecutive bases within chr10:77,637,607-77,637,614 gives the same sequence; the position shown is the placement nearest the transcript's 3' end. VCF-style (leftmost placement, unchanged base first): chr10-77637606-C-CGCT. GRCh37 (hg19) VCF-style: chr10-79397364-C-CGCT.
Other names: c.31AGC[3], p.Ser12dup (NM_001014797.3, NM_001161353.2, NM_001271518.2 and 12 more transcripts); c.34_36dup (NM_002247.4).
Identifiers: ClinVar variation 581229 (VCV000581229.17), dbSNP rs757636988, ClinGen allele CA5568823.

ClinVar aggregate classification (germline): Uncertain significance. Review status: criteria provided, multiple submitters, no conflicts (2 of 4 stars). 3 submissions from 3 submitters: Uncertain significance (3). Last evaluated 2026-01-21.

Conditions:
Generalized epilepsy-paroxysmal dyskinesia syndrome (PNKD3). Also called: Paroxysmal nonkinesigenic dyskinesia, 3, with or without generalized epilepsy; Generalized epilepsy and paroxysmal dyskinesia. Identifiers: Orphanet 79137, MedGen C5574945, MONDO:0012276, OMIM 609446.
Epilepsy, idiopathic generalized, susceptibility to, 16. Identifiers: MedGen C5231421, MONDO:0032827, OMIM 618596.
Liang-Wang syndrome. Identifiers: Orphanet 664438, MedGen C5231479, MONDO:0032886, OMIM 618729.
Cerebellar atrophy, developmental delay, and seizures. Identifiers: MedGen C4539985, MONDO:0060551, OMIM 617643.

Submissions (3):

Labcorp Genetics (formerly Invitae), Labcorp
Classification: Uncertain significance for Generalized epilepsy-paroxysmal dyskinesia syndrome. Last evaluated: 2026-01-21. Review status: criteria provided, single submitter. Criteria: Invitae Variant Classification Sherloc (09022015). Collection method: clinical testing. Allele origin: germline.
Comment: This variant, c.34_36dup, results in the insertion of 1 amino acid(s) of the KCNMA1 protein (p.Ser12dup), but otherwise preserves the integrity of the reading frame. The frequency data for this variant in the population databases is considered unreliable, as metrics indicate poor data quality at this position in the gnomAD database. This variant has not been reported in the literature in individuals affected with KCNMA1-related conditions. ClinVar contains an entry for this variant (Variation ID: 581229). Experimental studies and prediction algorithms are not available or were not evaluated, and the functional significance of this variant is currently unknown. In summary, the available evidence is currently insufficient to determine the role of this variant in disease. Therefore, it has been classified as a Variant of Uncertain Significance.

GeneDx
Classification: Uncertain significance. Last evaluated: 2024-07-01. Review status: criteria provided, single submitter. Criteria: GeneDx Variant Classification Process June 2021. Collection method: clinical testing. Allele origin: germline. Affected: yes.
Comment: In-frame insertion of 1 amino acid in a non-repeat region; Has not been previously published as pathogenic or benign to our knowledge

Fulgent Genetics
Classification: Uncertain significance for Generalized epilepsy-paroxysmal dyskinesia syndrome; Cerebellar atrophy, developmental delay, and seizures; Epilepsy, idiopathic generalized, susceptibility to, 16; Liang-Wang syndrome. Last evaluated: 2021-12-01. Review status: criteria provided, single submitter. Criteria: ACMG Guidelines, 2015. Collection method: clinical testing. Allele origin: unknown.